The following is an entry in ClinVar:

ClinVar aggregate classification (germline): Benign (1 of 4 stars; one submission).

Allele frequency attached by ClinVar (database versions not stated): gnomAD 0.17998 and 0.18479; TOPMed 0.18369; 1000 Genomes Project 30x 0.19254; 1000 Genomes Project 0.19768.
gnomAD v4.1: 28,093 of 152,142 alleles (18%); highest among the groups gnomAD compares: Middle Eastern, 30%; 2,686 homozygotes.

Submission:

GeneDx
Classification: Benign. Last evaluated: 2018-06-14. Review status: criteria provided, single submitter. Criteria: GeneDx Variant Classification (06012015). Collection method: clinical testing. Allele origin: germline. Affected: yes.
Comment: This variant is considered likely benign or benign based on one or more of the following criteria: it is a conservative change, it occurs at a poorly conserved position in the protein, it is predicted to be benign by multiple in silico algorithms, and/or has population frequency not consistent with disease.

NM_182961.4(SYNE1):c.1933-298C>T

Gene: SYNE1 (spectrin repeat containing nuclear envelope protein 1; minus strand). Cytogenetic location: 6q25.2.
Variant type: single nucleotide variant.
Coding change: c.1933-298C>T on transcript NM_182961.4 (MANE Select); 298 bases into the intron before coding-DNA position 1933, C replaced by T.
Molecular consequence: intron variant.
Genome position (GRCh38, 1-based): chr6:152,463,815, G>A on the plus strand (C>T on the coding strand, the complement: SYNE1 is on the minus strand). VCF-style: chr6-152463815-G-A. GRCh37 (hg19) VCF-style: chr6-152784950-G-A.
Other names: c.1954-298C>T (NM_033071.5).
Identifiers: ClinVar variation 683907 (VCV000683907.1), dbSNP rs9371598, ClinGen allele CA12308897.